The following is an entry in ClinVar:

NM_015311.3(OBSL1):c.3621C>T (p.Ser1207=)

Gene: OBSL1 (obscurin like cytoskeletal adaptor 1; minus strand). Cytogenetic location: 2q35.
Variant type: single nucleotide variant.
Coding change: c.3621C>T on transcript NM_015311.3 (MANE Select); coding-DNA position 3621, C replaced by T.
Protein change: p.Ser1207=; no amino-acid change (serine 1207 retained).
Molecular consequence: synonymous variant.
Genome position (GRCh38, 1-based): chr2:219,557,992, G>A on the plus strand (C>T on the coding strand, the complement: OBSL1 is on the minus strand). VCF-style: chr2-219557992-G-A. GRCh37 (hg19) VCF-style: chr2-220422714-G-A.
Other names: c.3621C>T, p.Ser1207= (NM_001173431.2); c.3621C>T (NM_015311.2).
Identifiers: ClinVar variation 1917602 (VCV001917602.7), dbSNP rs368076068, ClinGen allele CA2130798.

ClinVar aggregate classification (germline): Likely benign. Review status: criteria provided, single submitter (1 of 4 stars). 2 submissions from 2 submitters: Likely benign (1). 1 of the submissions does not count toward it. Last evaluated 2026-01-16.

Conditions:
OBSL1-related disorder. Also called: OBSL1-related condition.

Allele frequency attached by ClinVar (database versions not stated): ExAC 0.00001; gnomAD exomes 0.00001; ESP Exome Variant Server 0.00008; gnomAD 0.00009; TOPMed 0.00010.
gnomAD v4.1: 24 of 1,611,820 alleles (0.0015%); highest among the groups gnomAD compares: African/African-American, 0.031%; no homozygotes.

Submissions (2):

Labcorp Genetics (formerly Invitae), Labcorp
Classification: Likely benign. Last evaluated: 2026-01-16. Review status: criteria provided, single submitter. Criteria: Invitae Variant Classification Sherloc (09022015). Collection method: clinical testing. Allele origin: germline.

PreventionGenetics, part of Exact Sciences
Classification: Likely benign for OBSL1-related condition. Last evaluated: 2019-06-10. Review status: no assertion criteria provided. Collection method: clinical testing. Allele origin: germline. Not counted in ClinVar's aggregate classification.
Comment: This variant is classified as likely benign based on ACMG/AMP sequence variant interpretation guidelines (Richards et al. 2015 PMID: 25741868, with internal and published modifications).